The following is an entry in ClinVar:

NM_201596.3(CACNB2):c.445C>T (p.His149Tyr)

Gene: CACNB2 (calcium voltage-gated channel auxiliary subunit beta 2; plus strand). Cytogenetic location: 10p12.31.
Variant type: single nucleotide variant.
Coding change: c.445C>T on transcript NM_201596.3 (MANE Select); coding-DNA position 445, C replaced by T.
Protein change: p.His149Tyr; replaces histidine 149 with tyrosine.
Molecular consequence: missense variant.
Genome position (GRCh38, 1-based): chr10:18,498,466, C>T. VCF-style: chr10-18498466-C-T. GRCh37 (hg19) VCF-style: chr10-18787395-C-T.
Other names: c.280C>T, p.His94Tyr (NM_000724.4, NM_001330060.2); c.361C>T, p.His121Tyr (NM_001167945.2, NM_201571.4, NM_201572.4); c.301C>T, p.His101Tyr (NM_201570.3); c.283C>T, p.His95Tyr (NM_201590.3); c.445C>T, p.His149Tyr (NM_201593.3, NM_201597.3); short protein forms H101Y, H121Y, H149Y, H94Y, H95Y.
Identifiers: ClinVar variation 846340 (VCV000846340.1), dbSNP rs2049973374, ClinGen allele CA376057008.

ClinVar aggregate classification (germline): Uncertain significance (1 of 4 stars; one submission).

Conditions:
Brugada syndrome 4 (BRGDA4). Identifiers: Orphanet 130, MedGen C2678477, MONDO:0012743, OMIM 611876.

Submission:

Labcorp Genetics (formerly Invitae), Labcorp
Classification: Uncertain significance for Brugada syndrome 4. Last evaluated: 2019-11-26. Review status: criteria provided, single submitter. Criteria: Invitae Variant Classification Sherloc (09022015). Collection method: clinical testing. Allele origin: germline.
Comment: This sequence change replaces histidine with tyrosine at codon 95 of the CACNB2 protein (p.His95Tyr). The histidine residue is highly conserved and there is a moderate physicochemical difference between histidine and tyrosine. This variant is not present in population databases (ExAC no frequency). This variant has not been reported in the literature in individuals with CACNB2-related conditions. Algorithms developed to predict the effect of missense changes on protein structure and function are either unavailable or do not agree on the potential impact of this missense change (SIFT: "Deleterious"; PolyPhen-2: "Probably Damaging"; Align-GVGD: "Class C0"). Algorithms developed to predict the effect of sequence changes on RNA splicing suggest that this variant may create or strengthen a splice site, but this prediction has not been confirmed by published transcriptional studies. In summary, the available evidence is currently insufficient to determine the role of this variant in disease. Therefore, it has been classified as a Variant of Uncertain Significance.